The following is an entry in ClinVar:

ClinVar aggregate classification (germline): Benign/Likely benign. Review status: criteria provided, multiple submitters, no conflicts (2 of 4 stars). 10 submissions from 10 submitters: Benign (1); Likely benign (7). 2 of the submissions do not count toward it. Last evaluated 2026-01-15.

Conditions:
Holoprosencephaly 7 (HPE7). Identifiers: Orphanet 2162, MedGen C1835820, MONDO:0012562, OMIM 610828.
Basal cell nevus syndrome 1 (BCNS1). Also called: GORLIN-GOLTZ SYNDROME; MULTIPLE BASAL CELL NEVI, ODONTOGENIC KERATOCYSTS, AND SKELETAL ANOMALIES. Identifiers: MedGen CN376810, MONDO:0958174, OMIM 109400.
Basal cell carcinoma, susceptibility to, 1. Also called: BCC1. Identifiers: MedGen C2751544, MONDO:0011556, OMIM 605462.
Hereditary cancer-predisposing syndrome. Also called: Tumor predisposition; Hereditary neoplastic syndrome; Hereditary Cancer Syndrome; Neoplastic Syndromes, Hereditary. Identifiers: Orphanet 140162, MedGen C0027672, MeSH D009386, MONDO:0015356.
Gorlin syndrome. Also called: Basal cell nevus syndrome; Nevoid Basal Cell Carcinoma Syndrome. Identifiers: Orphanet 377, MedGen C0004779, MONDO:0007187.
PTCH1-related disorder. Also called: PTCH1-related disorders; PTCH1-related condition.

Allele frequency attached by ClinVar (database versions not stated): 1000 Genomes Project 30x 0.00047; TOPMed 0.00075; ESP Exome Variant Server 0.00085; gnomAD exomes 0.00012; 1000 Genomes Project 0.00040; ExAC 0.00040.
gnomAD v4.1: 280 of 1,614,228 alleles (0.017%); highest among the groups gnomAD compares: African/African-American, 0.18%; 3 homozygotes.

Submissions (10):

Labcorp Genetics (formerly Invitae), Labcorp
Classification: Likely benign for Gorlin syndrome. Last evaluated: 2026-01-15. Review status: criteria provided, single submitter. Criteria: Invitae Variant Classification Sherloc (09022015). Collection method: clinical testing. Allele origin: germline.

Quest Diagnostics Nichols Institute San Juan Capistrano
Classification: Benign. Last evaluated: 2025-05-15. Review status: criteria provided, single submitter. Criteria: Quest Diagnostics criteria. Collection method: clinical testing. Allele origin: unknown.

CeGaT Center for Human Genetics Tuebingen
Classification: Likely benign. Last evaluated: 2025-04-01. Review status: criteria provided, single submitter. Criteria: CeGaT Center For Human Genetics Tuebingen Variant Classification Criteria Version 2. Collection method: clinical testing. Allele origin: germline. Affected: yes. Observed: 1 variant allele.
Comment: PTCH1: BS1

Department of Pathology and Laboratory Medicine, Sinai Health System
Classification: Likely benign for Basal cell nevus syndrome 1; Basal cell carcinoma, susceptibility to, 1; Holoprosencephaly 7. Last evaluated: 2025-02-04. Review status: criteria provided, single submitter. Criteria: ACMG Guidelines, 2015. Collection method: clinical testing. Allele origin: germline.

Blueprint Genetics
Classification: Likely benign. Last evaluated: 2024-11-08. Review status: criteria provided, single submitter. Criteria: ACMG Guidelines, 2015. Collection method: clinical testing. Allele origin: germline.

Sema4
Classification: Likely benign for Hereditary cancer-predisposing syndrome. Last evaluated: 2022-02-01. Review status: criteria provided, single submitter. Criteria: Sema4 Curation Guidelines. Collection method: curation. Allele origin: germline.

GeneDx
Classification: Likely benign. Last evaluated: 2018-11-06. Review status: criteria provided, single submitter. Criteria: GeneDx Variant Classification Process June 2021. Collection method: clinical testing. Allele origin: germline. Affected: yes.
Comment: This variant is associated with the following publications: (PMID: 24728327)

Ambry Genetics
Classification: Likely benign for Hereditary cancer-predisposing syndrome. Last evaluated: 2018-09-05. Review status: criteria provided, single submitter. Criteria: Ambry Variant Classification Scheme 2023. Collection method: clinical testing. Allele origin: germline.

PreventionGenetics, part of Exact Sciences
Classification: Likely benign for PTCH1-related condition. Last evaluated: 2020-07-14. Review status: no assertion criteria provided. Collection method: clinical testing. Allele origin: germline. Not counted in ClinVar's aggregate classification.
Comment: This variant is classified as likely benign based on ACMG/AMP sequence variant interpretation guidelines (Richards et al. 2015 PMID: 25741868, with internal and published modifications).

ITMI
No classification provided. Condition: AllHighlyPenetrant. Last evaluated: 2013-09-19. Review status: no classification provided. Collection method: reference population. Allele origin: germline. Not counted in ClinVar's aggregate classification.
Comment: Please see associated publication for description of ethnicities

Literature cited by the submitters: PubMed 24728327 (cited by ITMI).

NM_000264.5(PTCH1):c.3766G>A (p.Val1256Met)

Gene: PTCH1 (patched 1; minus strand). Cytogenetic location: 9q22.32.
Variant type: single nucleotide variant.
Coding change: c.3766G>A on transcript NM_000264.5 (MANE Select); coding-DNA position 3766, G replaced by A.
Protein change: p.Val1256Met; replaces valine 1256 with methionine.
Molecular consequence: missense variant. On other transcripts: non-coding transcript variant (1).
Genome position (GRCh38, 1-based): chr9:95,449,107, C>T on the plus strand (G>A on the coding strand, the complement: PTCH1 is on the minus strand). VCF-style: chr9-95449107-C-T. GRCh37 (hg19) VCF-style: chr9-98211389-C-T.
Other names: c.3568G>A, p.Val1190Met (NM_001083602.3); c.3763G>A, p.Val1255Met (NM_001083603.3); c.3313G>A, p.Val1105Met (NM_001083604.3, NM_001083605.3, NM_001083606.3 and 1 more transcripts); c.3610G>A, p.Val1204Met (NM_001354918.2); short protein forms V1190M, V1256M, V1105M, V1204M, V1255M.
Identifiers: ClinVar variation 135102 (VCV000135102.31), dbSNP rs150850039, ClinGen allele CA161714.